The following is an entry in ClinVar:

ClinVar aggregate classification (germline): Uncertain significance. Review status: criteria provided, multiple submitters, no conflicts (2 of 4 stars). 3 submissions from 3 submitters: Uncertain significance (3). Last evaluated 2025-01-23.

Conditions:
ERCC6-related disorder. Also called: ERCC6-related disorders; ERCC6-related condition. Identifiers: MedGen CN239385.
Inborn genetic diseases. Identifiers: MedGen C0950123, MeSH D030342.

Allele frequency attached by ClinVar (database versions not stated): TOPMed 0.00001.
gnomAD v4.1: 8 of 1,614,224 alleles (0.0005%); highest among the groups gnomAD compares: Admixed American, 0.01%; no homozygotes.

Submissions (3):

Ambry Genetics
Classification: Uncertain significance for Inborn genetic diseases. Last evaluated: 2025-01-23. Review status: criteria provided, single submitter. Criteria: Ambry Variant Classification Scheme 2023. Collection method: clinical testing. Allele origin: germline.

PreventionGenetics, part of Exact Sciences
Classification: Uncertain significance for ERCC6-related condition. Last evaluated: 2024-11-23. Review status: criteria provided, single submitter. Criteria: ACMG Guidelines, 2015. Collection method: clinical testing. Allele origin: germline.
Comment: The ERCC6 c.1054A>G variant is predicted to result in the amino acid substitution p.Arg352Gly. To our knowledge, this variant has not been reported in the literature. This variant is reported in 0.012% of alleles in individuals of Latino descent in gnomAD. At this time, the clinical significance of this variant is uncertain due to the absence of conclusive functional and genetic evidence.

Labcorp Genetics (formerly Invitae), Labcorp
Classification: Uncertain significance. Last evaluated: 2022-03-04. Review status: criteria provided, single submitter. Criteria: Invitae Variant Classification Sherloc (09022015). Collection method: clinical testing. Allele origin: germline.
Comment: This sequence change replaces arginine, which is basic and polar, with glycine, which is neutral and non-polar, at codon 352 of the ERCC6 protein (p.Arg352Gly). This variant is present in population databases (no rsID available, gnomAD 0.009%). This variant has not been reported in the literature in individuals affected with ERCC6-related conditions. Algorithms developed to predict the effect of missense changes on protein structure and function output the following: SIFT: "Deleterious"; PolyPhen-2: "Benign"; Align-GVGD: "Class C45". The glycine amino acid residue is found in multiple mammalian species, which suggests that this missense change does not adversely affect protein function. In summary, the available evidence is currently insufficient to determine the role of this variant in disease. Therefore, it has been classified as a Variant of Uncertain Significance.

NM_000124.4(ERCC6):c.1054A>G (p.Arg352Gly)

Gene: ERCC6 (ERCC excision repair 6, chromatin remodeling factor; minus strand). Cytogenetic location: 10q11.23.
Variant type: single nucleotide variant.
Coding change: c.1054A>G on transcript NM_000124.4 (MANE Select); coding-DNA position 1054, A replaced by G.
Protein change: p.Arg352Gly; replaces arginine 352 with glycine.
Molecular consequence: missense variant.
Genome position (GRCh38, 1-based): chr10:49,524,376, T>C on the plus strand (A>G on the coding strand, the complement: ERCC6 is on the minus strand). VCF-style: chr10-49524376-T-C. GRCh37 (hg19) VCF-style: chr10-50732422-T-C.
Other names: c.1054A>G (NM_000124.3); c.1054A>G, p.Arg352Gly (NM_001277058.2, NM_001277059.2, NM_001346440.2); short protein forms R352G.
Identifiers: ClinVar variation 2153899 (VCV002153899.3), dbSNP rs903050716, ClinGen allele CA206620339.